The following is an entry in ClinVar:

ClinVar aggregate classification (germline): Uncertain significance (1 of 4 stars; one submission).

Conditions:
Hereditary cancer-predisposing syndrome. Also called: Neoplastic Syndromes, Hereditary; Tumor predisposition; Hereditary Cancer Syndrome; Hereditary neoplastic syndrome. Identifiers: Orphanet 140162, MedGen C0027672, MeSH D009386, MONDO:0015356.

Submission:

Ambry Genetics
Classification: Uncertain significance for Hereditary cancer-predisposing syndrome. Last evaluated: 2021-08-10. Review status: criteria provided, single submitter. Criteria: Ambry Variant Classification Scheme 2023. Collection method: clinical testing. Allele origin: germline.
Comment: The p.L730S variant (also known as c.2189T>C), located in coding exon 8 of the BLM gene, results from a T to C substitution at nucleotide position 2189. The leucine at codon 730 is replaced by serine, an amino acid with dissimilar properties. This amino acid position is conserved. In addition, this alteration is predicted to be tolerated by in silico analysis. Since supporting evidence is limited at this time, the clinical significance of this alteration remains unclear.

NM_000057.4(BLM):c.2189T>C (p.Leu730Ser)

Gene: BLM (BLM RecQ like helicase; plus strand). Cytogenetic location: 15q26.1.
Variant type: single nucleotide variant.
Coding change: c.2189T>C on transcript NM_000057.4 (MANE Select); coding-DNA position 2189, T replaced by C.
Protein change: p.Leu730Ser; replaces leucine 730 with serine.
Molecular consequence: missense variant.
Genome position (GRCh38, 1-based): chr15:90,765,410, T>C. VCF-style: chr15-90765410-T-C. GRCh37 (hg19) VCF-style: chr15-91308640-T-C.
Other names: c.2189T>C, p.Leu730Ser (NM_001287246.2, NM_001287247.2); c.1064T>C, p.Leu355Ser (NM_001287248.2); short protein forms L355S, L730S.
Identifiers: ClinVar variation 1787385 (VCV001787385.2), dbSNP rs2505441940, ClinGen allele CA393844744.
Genomic context (GRCh38, chr15:90,765,410, plus strand): 5'-CTGTTGTCATTTCTCCCTTGAGATCACTTATCGTAGATCAAGTCCAAAAGCTGACTTCCT[T>C]GGATGTAAGTTATAAAAATACTAATAAAAACACGCCTTAGAAACAATTAAATTTCAGTCC-3'
Protein context (NP_000048.1, residues 720-740): IVDQVQKLTS[Leu730Ser]DIPATYLTGD